The following is an entry in ClinVar:

ClinVar aggregate classification (germline): Benign. Review status: criteria provided, multiple submitters, no conflicts (2 of 4 stars). 7 submissions from 5 submitters: Benign (7). Last evaluated 2021-07-30.

Conditions:
Ullrich congenital muscular dystrophy 1A. Also called: Ullrich congenital muscular dystrophy 1; Intermediate COL6-RD. Identifiers: Orphanet 75840, MedGen C0410179, MONDO:0009681, OMIM 254090.
Myosclerosis. Also called: MYOPATHY, MYOSCLEROTIC; MYOSCLEROSIS, CONGENITAL, OF LOWENTHAL; Myosclerosis, congenital. Identifiers: Orphanet 289380, MedGen C1850671, MONDO:0009714, OMIM 255600.
Bethlem myopathy 1A. Also called: Bethlem myopathy 1; Bethlem Muscular Dystrophy; MYOPATHY, BENIGN CONGENITAL, WITH CONTRACTURES. Identifiers: Orphanet 610, MedGen CN029274, MONDO:0024530, OMIM 158810.

Allele frequency attached by ClinVar (database versions not stated): 1000 Genomes Project 30x 0.79466; TOPMed 0.81792; ExAC 0.79849; gnomAD exomes 0.80346 and 0.80936; ESP Exome Variant Server 0.80332; gnomAD 0.81072 and 0.80713; 1000 Genomes Project 0.79513.
gnomAD v4.1: 1,301,057 of 1,608,110 alleles (81%); highest among the groups gnomAD compares: East Asian, 91%; 528,772 homozygotes.

Submissions (7):

Genome-Nilou Lab
Classification: Benign for Myosclerosis. Last evaluated: 2021-07-30. Review status: criteria provided, single submitter. Criteria: ACMG Guidelines, 2015. Collection method: clinical testing. Allele origin: germline. Affected: no.

Genome-Nilou Lab
Classification: Benign for Bethlem myopathy 1A. Last evaluated: 2021-07-30. Review status: criteria provided, single submitter. Criteria: ACMG Guidelines, 2015. Collection method: clinical testing. Allele origin: germline. Affected: no.

Genome-Nilou Lab
Classification: Benign for Ullrich congenital muscular dystrophy 1A. Last evaluated: 2021-07-30. Review status: criteria provided, single submitter. Criteria: ACMG Guidelines, 2015. Collection method: clinical testing. Allele origin: germline. Affected: no.

GeneDx
Classification: Benign. Last evaluated: 2018-06-14. Review status: criteria provided, single submitter. Criteria: GeneDx Variant Classification (06012015). Collection method: clinical testing. Allele origin: germline. Affected: yes.
Comment: This variant is considered likely benign or benign based on one or more of the following criteria: it is a conservative change, it occurs at a poorly conserved position in the protein, it is predicted to be benign by multiple in silico algorithms, and/or has population frequency not consistent with disease.

Eurofins Ntd Llc (ga)
Classification: Benign. Last evaluated: 2012-11-16. Review status: criteria provided, single submitter. Criteria: EGL Classification Definitions 2015. Collection method: clinical testing. Allele origin: germline. Observed: 45 variant alleles, 16 heterozygotes, 29 homozygotes.

Breakthrough Genomics
Classification: Benign. Review status: criteria provided, single submitter. Criteria: ACMG Guidelines, 2015. Collection method: not provided. Allele origin: germline. Inheritance: Autosomal recessive inheritance. Affected: yes.

PreventionGenetics, part of Exact Sciences
Classification: Benign. Review status: criteria provided, single submitter. Criteria: ACMG Guidelines, 2015. Collection method: clinical testing. Allele origin: germline.

NM_001849.4(COL6A2):c.1771-25A>G

Gene: COL6A2 (collagen type VI alpha 2 chain; plus strand). Cytogenetic location: 21q22.3.
Variant type: single nucleotide variant.
Coding change: c.1771-25A>G on transcript NM_001849.4 (MANE Select); 25 bases into the intron before coding-DNA position 1771, A replaced by G.
Molecular consequence: intron variant.
Genome position (GRCh38, 1-based): chr21:46,125,241, A>G. VCF-style: chr21-46125241-A-G. GRCh37 (hg19) VCF-style: chr21-47545155-A-G.
Other names: c.1771-25A>G (NM_058175.3, NM_058174.3).
Identifiers: ClinVar variation 93922 (VCV000093922.9), dbSNP rs2839113, ClinGen allele CA147448.
Genomic context (GRCh38, chr21:46,125,241, plus strand): 5'-TCCCGGGACCCCCAGGCCAGGACCTTGCTGTGGAAACTCTTCTGGGGCCCCGGGGGGACT[A>G]CCCTGCCTGCCGTGTGCATTGCAGGAGTGTGACGTCATGACCTACGTGAGGGAGACCTGC-3'